The following is an entry in ClinVar:

NM_145207.3(AFG2A):c.2000A>G (p.Tyr667Cys)

Gene: AFG2A (AFG2 AAA ATPase homolog A; plus strand). Cytogenetic location: 4q28.1.
Variant type: single nucleotide variant.
Coding change: c.2000A>G on transcript NM_145207.3 (MANE Select); coding-DNA position 2000, A replaced by G.
Protein change: p.Tyr667Cys; replaces tyrosine 667 with cysteine.
Molecular consequence: missense variant.
Genome position (GRCh38, 1-based): chr4:123,028,316, A>G. VCF-style: chr4-123028316-A-G. GRCh37 (hg19) VCF-style: chr4-123949471-A-G.
Other names: c.1997A>G, p.Tyr666Cys (NM_001317799.2, NM_001345856.2); short protein forms Y667C, Y666C.
Identifiers: ClinVar variation 542386 (VCV000542386.5), dbSNP rs998357703, ClinGen allele CA104839917.

ClinVar aggregate classification (germline): Uncertain significance (1 of 4 stars; one submission).

Conditions:
Microcephaly-intellectual disability-sensorineural hearing loss-epilepsy-abnormal muscle tone syndrome (NEDHSB). Also called: NEURODEVELOPMENTAL DISORDER WITH HEARING LOSS, SEIZURES, AND BRAIN ABNORMALITIES. Identifiers: Orphanet 457351, MedGen C4225276, MONDO:0014698, OMIM 616577.

Allele frequency attached by ClinVar (database versions not stated): gnomAD exomes below 0.00001; TOPMed below 0.00001.
gnomAD v4.1: 7 of 1,614,142 alleles (0.00043%); highest among the groups gnomAD compares: Non-Finnish European, 0.00051%; no homozygotes.

Submission:

Labcorp Genetics (formerly Invitae), Labcorp
Classification: Uncertain significance for Microcephaly-intellectual disability-sensorineural hearing loss-epilepsy-abnormal muscle tone syndrome. Last evaluated: 2022-06-14. Review status: criteria provided, single submitter. Criteria: Invitae Variant Classification Sherloc (09022015). Collection method: clinical testing. Allele origin: germline.
Comment: This sequence change replaces tyrosine, which is neutral and polar, with cysteine, which is neutral and slightly polar, at codon 667 of the SPATA5 protein (p.Tyr667Cys). This variant is not present in population databases (gnomAD no frequency). This variant has not been reported in the literature in individuals affected with SPATA5-related conditions. ClinVar contains an entry for this variant (Variation ID: 542386). Advanced modeling of protein sequence and biophysical properties (such as structural, functional, and spatial information, amino acid conservation, physicochemical variation, residue mobility, and thermodynamic stability) performed at Invitae indicates that this missense variant is expected to disrupt SPATA5 protein function. In summary, the available evidence is currently insufficient to determine the role of this variant in disease. Therefore, it has been classified as a Variant of Uncertain Significance.